The following is an entry in ClinVar:

ClinVar aggregate classification (germline): Uncertain significance. Review status: criteria provided, multiple submitters, no conflicts (2 of 4 stars). 2 submissions from 2 submitters: Uncertain significance (2). Last evaluated 2024-07-13.

Conditions:
Hereditary breast ovarian cancer syndrome. Also called: Breast and ovarian cancer; BRCA1- and BRCA2-Associated Hereditary Breast and Ovarian Cancer; Hereditary breast and ovarian cancer; Hereditary breast and ovarian cancer syndrome (HBOC); Hereditary breast and/or ovarian cancer syndrome; Hereditary breast and ovarian cancer syndrome. Identifiers: Orphanet 145, MedGen C0677776, MeSH D061325, MONDO:0003582. Disease mechanism: loss of function.
Hereditary cancer-predisposing syndrome. Also called: Neoplastic Syndromes, Hereditary; Tumor predisposition; Hereditary Cancer Syndrome; Hereditary neoplastic syndrome. Identifiers: Orphanet 140162, MedGen C0027672, MeSH D009386, MONDO:0015356.

Submissions (2):

Ambry Genetics
Classification: Uncertain significance for Hereditary cancer-predisposing syndrome. Last evaluated: 2024-07-13. Review status: criteria provided, single submitter. Criteria: Ambry Variant Classification Scheme 2023. Collection method: clinical testing. Allele origin: germline.
Comment: The p.V2419F variant (also known as c.7255G>T), located in coding exon 13 of the BRCA2 gene, results from a G to T substitution at nucleotide position 7255. The valine at codon 2419 is replaced by phenylalanine, an amino acid with highly similar properties. This amino acid position is conserved. In addition, this alteration is predicted to be tolerated by in silico analysis. Based on the available evidence, the clinical significance of this variant remains unclear.

Labcorp Genetics (formerly Invitae), Labcorp
Classification: Uncertain significance for Hereditary breast ovarian cancer syndrome. Last evaluated: 2024-05-27. Review status: criteria provided, single submitter. Criteria: Invitae Variant Classification Sherloc (09022015). Collection method: clinical testing. Allele origin: germline.
Comment: This sequence change replaces valine, which is neutral and non-polar, with phenylalanine, which is neutral and non-polar, at codon 2419 of the BRCA2 protein (p.Val2419Phe). This variant is not present in population databases (gnomAD no frequency). This variant has not been reported in the literature in individuals affected with BRCA2-related conditions. ClinVar contains an entry for this variant (Variation ID: 650544). Advanced modeling of protein sequence and biophysical properties (such as structural, functional, and spatial information, amino acid conservation, physicochemical variation, residue mobility, and thermodynamic stability) performed at Invitae indicates that this missense variant is not expected to disrupt BRCA2 protein function with a negative predictive value of 95%. In summary, the available evidence is currently insufficient to determine the role of this variant in disease. Therefore, it has been classified as a Variant of Uncertain Significance.

NM_000059.4(BRCA2):c.7255G>T (p.Val2419Phe)

Gene: BRCA2 (BRCA2 DNA repair associated; plus strand). Cytogenetic location: 13q13.1.
Variant type: single nucleotide variant.
Coding change: c.7255G>T on transcript NM_000059.4 (MANE Select); coding-DNA position 7255, G replaced by T.
Protein change: p.Val2419Phe; replaces valine 2419 with phenylalanine.
Molecular consequence: missense variant.
Genome position (GRCh38, 1-based): chr13:32,355,108, G>T. VCF-style: chr13-32355108-G-T. GRCh37 (hg19) VCF-style: chr13-32929245-G-T.
Other names: short protein forms V2419F.
Identifiers: ClinVar variation 650544 (VCV000650544.10), dbSNP rs1593918221, ClinGen allele CA387740509.